The following is an entry in ClinVar:

NM_020066.5(FMN2):c.3442_3507del (p.Arg1148_Pro1169del)

Gene: FMN2 (formin 2; plus strand). Cytogenetic location: 1q43.
Variant type: Deletion.
Coding change: c.3442_3507del on transcript NM_020066.5 (MANE Select); coding-DNA positions 3442 to 3507, 66 bases deleted.
Protein change: p.Arg1148_Pro1169del.
Molecular consequence: inframe deletion. On other transcripts: intron variant (1).
Genome position (GRCh38, 1-based): chr1:240,208,254-240,208,319, 66 bases deleted. GRCh37 (hg19): chr1:240,371,554-240,371,619.
Other names: c.3454_3519del, p.Arg1152_Pro1173del (NM_001305424.2); c.1986+19992_1986+20057del (NM_001348094.2).
Identifiers: ClinVar variation 2640193 (VCV002640193.24), dbSNP rs1558365026, ClinGen allele CA1477172.

ClinVar aggregate classification (germline): Conflicting classifications of pathogenicity. Review status: criteria provided, conflicting classifications (1 of 4 stars). 2 submissions from 2 submitters: Uncertain significance (1); Likely benign (1). Last evaluated 2024-09-20.

Conditions:
Intellectual developmental disorder, autosomal recessive 47. Also called: Intellectual disability, autosomal recessive 47. Identifiers: Orphanet 88616, MedGen C4015444, MONDO:0014524, OMIM 616193.

Submissions (2):

3billion
Classification: Likely benign for Intellectual developmental disorder, autosomal recessive 47. Last evaluated: 2024-09-20. Review status: criteria provided, single submitter. Criteria: ACMG Guidelines, 2015. Collection method: clinical testing. Allele origin: germline. Affected: no.
Comment: The homozygous variant was found in patients diagnosed with another variant in a different gene, with no symptoms related to the gene containing the homozygous variant.

CeGaT Center for Human Genetics Tuebingen
Classification: Uncertain significance. Last evaluated: 2022-07-01. Review status: criteria provided, single submitter. Criteria: CeGaT Center For Human Genetics Tuebingen Variant Classification Criteria Version 2. Collection method: clinical testing. Allele origin: germline. Affected: yes. Observed: 1 variant allele.